The following is an entry in ClinVar:

NM_001042492.3(NF1):c.1238C>T (p.Ser413Leu)

Gene: NF1 (neurofibromin 1; plus strand). Cytogenetic location: 17q11.2.
Variant type: single nucleotide variant.
Coding change: c.1238C>T on transcript NM_001042492.3 (MANE Select); coding-DNA position 1238, C replaced by T.
Protein change: p.Ser413Leu; replaces serine 413 with leucine.
Molecular consequence: missense variant.
Genome position (GRCh38, 1-based): chr17:31,201,463, C>T. VCF-style: chr17-31201463-C-T. GRCh37 (hg19) VCF-style: chr17-29528481-C-T.
Other names: c.1238C>T, p.Ser413Leu (NM_000267.4, NM_001128147.3); short protein forms S413L.
Identifiers: ClinVar variation 2452219 (VCV002452219.4), dbSNP rs1241533665, ClinGen allele CA398997680.

ClinVar aggregate classification (germline): Uncertain significance. Review status: criteria provided, multiple submitters, no conflicts (2 of 4 stars). 2 submissions from 2 submitters: Uncertain significance (2). Last evaluated 2025-03-12.

Conditions:
Neurofibromatosis, type 1 (NF1). Also called: Peripheral type neurofibromatosis; Neurofibromatosis, type I; VON RECKLINGHAUSEN DISEASE; NEUROFIBROMATOSIS, TYPE I, SOMATIC. Identifiers: Orphanet 636, MedGen C0027831, MONDO:0018975, OMIM 162200. Disease mechanism: loss of function.
Cardiovascular phenotype. Identifiers: MedGen CN230736.
Hereditary cancer-predisposing syndrome. Also called: Hereditary neoplastic syndrome; Tumor predisposition; Neoplastic Syndromes, Hereditary; Hereditary Cancer Syndrome. Identifiers: Orphanet 140162, MedGen C0027672, MeSH D009386, MONDO:0015356.

Submissions (2):

Labcorp Genetics (formerly Invitae), Labcorp
Classification: Uncertain significance for Neurofibromatosis, type 1. Last evaluated: 2025-03-12. Review status: criteria provided, single submitter. Criteria: Invitae Variant Classification Sherloc (09022015). Collection method: clinical testing. Allele origin: germline.
Comment: This sequence change replaces serine, which is neutral and polar, with leucine, which is neutral and non-polar, at codon 413 of the NF1 protein (p.Ser413Leu). This variant is not present in population databases (gnomAD no frequency). This variant has not been reported in the literature in individuals affected with NF1-related conditions. ClinVar contains an entry for this variant (Variation ID: 2452219). Invitae Evidence Modeling of protein sequence and biophysical properties (such as structural, functional, and spatial information, amino acid conservation, physicochemical variation, residue mobility, and thermodynamic stability) indicates that this missense variant is expected to disrupt NF1 protein function with a positive predictive value of 95%. This variant disrupts the p.Ser413 amino acid residue in NF1. Other variant(s) that disrupt this residue have been determined to be pathogenic (PMID: 16835897; external communication). This suggests that this residue is clinically significant, and that variants that disrupt this residue are likely to be disease-causing. In summary, the available evidence is currently insufficient to determine the role of this variant in disease. Therefore, it has been classified as a Variant of Uncertain Significance.

Ambry Genetics
Classification: Uncertain significance for Cardiovascular phenotype; Hereditary cancer-predisposing syndrome. Last evaluated: 2022-11-29. Review status: criteria provided, single submitter. Criteria: Ambry Variant Classification Scheme 2023. Collection method: clinical testing. Allele origin: germline.
Comment: The p.S413L variant (also known as c.1238C>T), located in coding exon 11 of the NF1 gene, results from a C to T substitution at nucleotide position 1238. The serine at codon 413 is replaced by leucine, an amino acid with dissimilar properties. This amino acid position is highly conserved in available vertebrate species. In addition, this alteration is predicted to be deleterious by in silico analysis. Since supporting evidence is limited at this time, the clinical significance of this alteration remains unclear.

Literature cited by the submitters: PubMed 16835897 (cited by Labcorp Genetics (formerly Invitae), Labcorp).